The following is an entry in ClinVar:

ClinVar aggregate classification (germline): Pathogenic. Review status: criteria provided, single submitter (1 of 4 stars). 2 submissions from 1 submitter: Pathogenic (1). 1 of the submissions does not count toward it. Last evaluated 2020-07-24.

Conditions:
Familial adenomatous polyposis 1 (FAP1). Also called: POLYPOSIS, ADENOMATOUS INTESTINAL; FAMILIAL ADENOMATOUS POLYPOSIS 1, ATTENUATED. Identifiers: MedGen C2713442, MONDO:0021056, OMIM 175100. Disease mechanism: loss of function.

Submissions (2):

Labcorp Genetics (formerly Invitae), Labcorp
Classification: Pathogenic for Familial adenomatous polyposis 1. Last evaluated: 2020-07-24. Review status: criteria provided, single submitter. Criteria: Invitae Variant Classification Sherloc (09022015). Collection method: clinical testing. Allele origin: germline.
Comment: For these reasons, this variant has been classified as Pathogenic. This variant has not been reported in the literature in individuals with APC-related conditions. This variant is an out-of-frame deletion of the genomic region encompassing exon 12 of the APC gene. This is expected to create a premature translational stop signal and result in an absent or disrupted protein product. Loss-of-function variants in APC are known to be pathogenic (PMID: 17963004, 20685668).

Labcorp Genetics (formerly Invitae), Labcorp
Classification: Pathogenic for Familial adenomatous polyposis 1. Last evaluated: 2019-10-16. Review status: flagged submission. Criteria: Invitae Variant Classification Sherloc (09022015). Collection method: clinical testing. Allele origin: germline. Not counted in ClinVar's aggregate classification.
Comment: This variant is an out-of-frame deletion of the genomic region encompassing exon 12 of the APC gene. This is expected to create a premature translational stop signal and result in an absent or disrupted protein product. This variant has not been reported in the literature in individuals with APC-related conditions. Loss-of-function variants in APC are known to be pathogenic (PMID: 17963004, 20685668). For these reasons, this variant has been classified as Pathogenic.
ClinVar note: Reason: This record appears to be redundant with a more recent record from the same submitter.
ClinVar note: Notes: SCV001194920 appears to be redundant with SCV002235577.

Literature cited by the submitters: PubMed 17963004; PubMed 20685668.

NC_000005.10:g.(?_112827098)_(112827257_?)del

Gene: APC (APC regulator of Wnt signaling pathway; plus strand). Cytogenetic location: 5q22.2.
Variant type: Deletion.
Identifiers: ClinVar variation 831021 (VCV000831021.5).